The following is an entry in ClinVar:

ClinVar aggregate classification (germline): Uncertain significance (1 of 4 stars; one submission).

Conditions:
Cardiomyopathy (CMYO). Also called: Cardiomyopathies. Identifiers: Orphanet 167848, MedGen C0878544, MONDO:0004994, HP:0001638. Inheritance: Various modes of inheritance.

gnomAD v4.1: 1 of 1,613,012 alleles (0.000062%); highest among the groups gnomAD compares: South Asian, 0.0011%; no homozygotes.

Submission:

Color Diagnostics, LLC DBA Color Health
Classification: Uncertain significance for Cardiomyopathy. Last evaluated: 2025-09-23. Review status: criteria provided, single submitter. Criteria: ACMG Guidelines, 2015. Collection method: clinical testing. Allele origin: germline.
Comment: This missense variant replaces alanine with valine at codon 144 of the RYR2 protein. Computational prediction suggests that this variant may have deleterious impact on protein structure and function. To our knowledge, functional studies have not been reported for this variant. This variant has not been reported in individuals affected with RYR2-related disorders in the literature. This variant has been identified in 1/247532 chromosomes in the general population by the Genome Aggregation Database (gnomAD). The available evidence is insufficient to determine the role of this variant in disease conclusively. Therefore, this variant is classified as a Variant of Uncertain Significance.

NM_001035.3(RYR2):c.431C>T (p.Ala144Val)

Gene: RYR2 (ryanodine receptor 2; plus strand). Cytogenetic location: 1q43.
Variant type: single nucleotide variant.
Coding change: c.431C>T on transcript NM_001035.3 (MANE Select); coding-DNA position 431, C replaced by T.
Protein change: p.Ala144Val; replaces alanine 144 with valine.
Molecular consequence: missense variant.
Genome position (GRCh38, 1-based): chr1:237,374,763, C>T. VCF-style: chr1-237374763-C-T. GRCh37 (hg19) VCF-style: chr1-237538063-C-T.
Other names: short protein forms A144V.
Identifiers: ClinVar variation 4756518 (VCV004756518.1).